The following is an entry in ClinVar:

NM_004397.6(DDX6):c.729A>C (p.Ile243=)

Gene: DDX6 (DEAD-box helicase 6; minus strand). Cytogenetic location: 11q23.3.
Variant type: single nucleotide variant.
Coding change: c.729A>C on transcript NM_004397.6 (MANE Select); coding-DNA position 729, A replaced by C.
Protein change: p.Ile243=; no amino-acid change (isoleucine 243 retained).
Molecular consequence: synonymous variant.
Genome position (GRCh38, 1-based): chr11:118,763,224, T>G on the plus strand (A>C on the coding strand, the complement: DDX6 is on the minus strand). VCF-style: chr11-118763224-T-G. GRCh37 (hg19) VCF-style: chr11-118633933-T-G.
Other names: c.729A>C, p.Ile243= (NM_001257191.3).
Identifiers: ClinVar variation 2642446 (VCV002642446.24), dbSNP rs376979325, ClinGen allele CA6308464.

ClinVar aggregate classification (germline): Likely benign (1 of 4 stars; one submission).

Allele frequency attached by ClinVar (database versions not stated): TOPMed 0.00001; gnomAD 0.00006; ESP Exome Variant Server 0.00008; gnomAD exomes 0.00010; ExAC 0.00021; 1000 Genomes Project 0.00040; 1000 Genomes Project 30x 0.00047.
gnomAD v4.1: 147 of 1,603,780 alleles (0.0092%); highest among the groups gnomAD compares: South Asian, 0.16%; 1 homozygote.

Submission:

CeGaT Center for Human Genetics Tuebingen
Classification: Likely benign. Last evaluated: 2023-07-01. Review status: criteria provided, single submitter. Criteria: CeGaT Center For Human Genetics Tuebingen Variant Classification Criteria Version 2. Collection method: clinical testing. Allele origin: germline. Affected: yes. Observed: 1 variant allele.
Comment: DDX6: BP4, BS2